The following is an entry in ClinVar:

NM_001365999.1(SZT2):c.1943A>G (p.Asn648Ser)

Gene: SZT2 (SZT2 subunit of KICSTOR complex; plus strand). Cytogenetic location: 1p34.2.
Variant type: single nucleotide variant.
Coding change: c.1943A>G on transcript NM_001365999.1 (MANE Select); coding-DNA position 1943, A replaced by G.
Protein change: p.Asn648Ser; replaces asparagine 648 with serine.
Molecular consequence: missense variant.
Genome position (GRCh38, 1-based): chr1:43,422,789, A>G. VCF-style: chr1-43422789-A-G. GRCh37 (hg19) VCF-style: chr1-43888460-A-G.
Other names: c.1943A>G, p.Asn648Ser (NM_015284.4); short protein forms N648S.
Identifiers: ClinVar variation 639086 (VCV000639086.10), dbSNP rs747108004, ClinGen allele CA808571.

ClinVar aggregate classification (germline): Conflicting classifications of pathogenicity. Review status: criteria provided, conflicting classifications (1 of 4 stars). 2 submissions from 2 submitters: Uncertain significance (1); Likely benign (1). Last evaluated 2024-12-22.

Conditions:
Inborn genetic diseases. Identifiers: MedGen C0950123, MeSH D030342.

Allele frequency attached by ClinVar (database versions not stated): ExAC 0.00002; TOPMed 0.00002; gnomAD 0.00003; gnomAD exomes 0.00003 and 0.00004.
gnomAD v4.1: 45 of 1,587,208 alleles (0.0028%); highest among the groups gnomAD compares: Admixed American, 0.015%; no homozygotes.

Submissions (2):

Labcorp Genetics (formerly Invitae), Labcorp
Classification: Uncertain significance. Last evaluated: 2024-12-22. Review status: criteria provided, single submitter. Criteria: Invitae Variant Classification Sherloc (09022015). Collection method: clinical testing. Allele origin: germline.
Comment: This sequence change replaces asparagine, which is neutral and polar, with serine, which is neutral and polar, at codon 648 of the SZT2 protein (p.Asn648Ser). This variant is present in population databases (rs747108004, gnomAD 0.02%). This variant has not been reported in the literature in individuals affected with SZT2-related conditions. ClinVar contains an entry for this variant (Variation ID: 639086). Invitae Evidence Modeling of protein sequence and biophysical properties (such as structural, functional, and spatial information, amino acid conservation, physicochemical variation, residue mobility, and thermodynamic stability) indicates that this missense variant is not expected to disrupt SZT2 protein function with a negative predictive value of 80%. In summary, the available evidence is currently insufficient to determine the role of this variant in disease. Therefore, it has been classified as a Variant of Uncertain Significance.

Ambry Genetics
Classification: Likely benign for Inborn genetic diseases. Last evaluated: 2024-09-26. Review status: criteria provided, single submitter. Criteria: Ambry Variant Classification Scheme 2023. Collection method: clinical testing. Allele origin: germline.